The following is an entry in ClinVar:

ClinVar aggregate classification (germline): Uncertain significance (1 of 4 stars; one submission).

Allele frequency attached by ClinVar (database versions not stated): ExAC 0.00002.
gnomAD v4.1: 11 of 1,614,160 alleles (0.00068%); highest among the groups gnomAD compares: South Asian, 0.012%; no homozygotes.

Submission:

Labcorp Genetics (formerly Invitae), Labcorp
Classification: Uncertain significance. Last evaluated: 2022-03-24. Review status: criteria provided, single submitter. Criteria: Invitae Variant Classification Sherloc (09022015). Collection method: clinical testing. Allele origin: germline.
Comment: This sequence change replaces glutamic acid, which is acidic and polar, with lysine, which is basic and polar, at codon 306 of the ELP1 protein (p.Glu306Lys). This variant is present in population databases (rs754384114, gnomAD 0.02%). This variant has not been reported in the literature in individuals affected with ELP1-related conditions. Algorithms developed to predict the effect of missense changes on protein structure and function are either unavailable or do not agree on the potential impact of this missense change (SIFT: "Deleterious"; PolyPhen-2: "Probably Damaging"; Align-GVGD: "Class C0"). In summary, the available evidence is currently insufficient to determine the role of this variant in disease. Therefore, it has been classified as a Variant of Uncertain Significance.

NM_003640.5(ELP1):c.916G>A (p.Glu306Lys)

Gene: ELP1 (elongator acetyltransferase complex subunit 1; minus strand). Cytogenetic location: 9q31.3.
Variant type: single nucleotide variant.
Coding change: c.916G>A on transcript NM_003640.5 (MANE Select); coding-DNA position 916, G replaced by A.
Protein change: p.Glu306Lys; replaces glutamic acid 306 with lysine.
Molecular consequence: missense variant. On other transcripts: 5 prime UTR variant (1).
Genome position (GRCh38, 1-based): chr9:108,916,246, C>T on the plus strand (G>A on the coding strand, the complement: ELP1 is on the minus strand). VCF-style: chr9-108916246-C-T. GRCh37 (hg19) VCF-style: chr9-111678526-C-T.
Other names: c.574G>A, p.Glu192Lys (NM_001318360.2); c.-132G>A (NM_001330749.2); short protein forms E192K, E306K.
Identifiers: ClinVar variation 2190562 (VCV002190562.1), dbSNP rs754384114, ClinGen allele CA5175198.
Genomic context (GRCh38, chr9:108,916,246, plus strand): 5'-GTACTACAGCTGTCTTACCACAGGTTTTCGGAATGGAGCTTTCTTCTCTCTGAAGGTCTT[C>T]CAGCCAGACTGCAAGCACAGAGGAATCTGCATTCCAGAGCAAGTCATTTACCTAGAAGGG-3'
Protein context (NP_003631.2, residues 296-316): ADSSVLAVWL[Glu306Lys]DLQREESSIP